The following is an entry in ClinVar:

NM_017612.5(ZCCHC8):c.605A>G (p.Lys202Arg)

Gene: ZCCHC8 (zinc finger CCHC-type containing 8; minus strand). Cytogenetic location: 12q24.31.
Variant type: single nucleotide variant.
Coding change: c.605A>G on transcript NM_017612.5 (MANE Select); coding-DNA position 605, A replaced by G.
Protein change: p.Lys202Arg; replaces lysine 202 with arginine.
Molecular consequence: missense variant. On other transcripts: intron variant (3).
Genome position (GRCh38, 1-based): chr12:122,483,460, T>C on the plus strand (A>G on the coding strand, the complement: ZCCHC8 is on the minus strand). VCF-style: chr12-122483460-T-C. GRCh37 (hg19) VCF-style: chr12-122968007-T-C.
Other names: c.308A>G, p.Lys103Arg (NM_001350936.2); c.-43-765A>G (NM_001350938.2, NM_001350937.2); c.502-1373A>G (NM_001350935.2); short protein forms K103R, K202R.
Identifiers: ClinVar variation 3704584 (VCV003704584.2).

ClinVar aggregate classification (germline): Uncertain significance (1 of 4 stars; one submission).

gnomAD v4.1: 3 of 1,588,962 alleles (0.00019%); highest among the groups gnomAD compares: Non-Finnish European, 0.00026%; no homozygotes.

Submission:

Labcorp Genetics (formerly Invitae), Labcorp
Classification: Uncertain significance. Last evaluated: 2024-11-13. Review status: criteria provided, single submitter. Criteria: Invitae Variant Classification Sherloc (09022015). Collection method: clinical testing. Allele origin: germline.
Comment: This sequence change replaces lysine, which is basic and polar, with arginine, which is basic and polar, at codon 202 of the ZCCHC8 protein (p.Lys202Arg). This variant is not present in population databases (gnomAD no frequency). This variant has not been reported in the literature in individuals affected with ZCCHC8-related conditions. An algorithm developed to predict the effect of missense changes on protein structure and function (PolyPhen-2) suggests that this variant is likely to be tolerated. In summary, the available evidence is currently insufficient to determine the role of this variant in disease. Therefore, it has been classified as a Variant of Uncertain Significance.